The following is an entry in ClinVar:

ClinVar aggregate classification (germline): Benign/Likely benign. Review status: criteria provided, multiple submitters, no conflicts (2 of 4 stars). 3 submissions from 3 submitters: Benign (1); Likely benign (2). Last evaluated 2025-09-28.

Conditions:
Hereditary cancer-predisposing syndrome. Also called: Tumor predisposition; Hereditary Cancer Syndrome; Neoplastic Syndromes, Hereditary; Hereditary neoplastic syndrome. Identifiers: Orphanet 140162, MedGen C0027672, MeSH D009386, MONDO:0015356.
Hereditary nonpolyposis colorectal neoplasms. Identifiers: MedGen C0009405, MeSH D003123.
Lynch syndrome 5 (LYNCH5). Also called: Colorectal cancer, hereditary nonpolyposis, type 5; Hereditary non-polyposis colorectal cancer, type 5. Identifiers: Orphanet 144, MedGen C1833477, MONDO:0013710, OMIM 614350. Disease mechanism: loss of function.

Submissions (3):

Labcorp Genetics (formerly Invitae), Labcorp
Classification: Likely benign for Hereditary nonpolyposis colorectal neoplasms. Last evaluated: 2025-09-28. Review status: criteria provided, single submitter. Criteria: Invitae Variant Classification Sherloc (09022015). Collection method: clinical testing. Allele origin: germline.

Myriad Genetics, Inc.
Classification: Benign for Lynch syndrome 5. Last evaluated: 2024-12-23. Review status: criteria provided, single submitter. Criteria: Myriad Autosomal Dominant, Autosomal Recessive and X-Linked Classification Criteria (2023). Collection method: clinical testing. Allele origin: unknown.
Comment: This variant is considered benign. This variant is a silent/synonymous amino acid change and it is not expected to impact splicing.

Ambry Genetics
Classification: Likely benign for Hereditary cancer-predisposing syndrome. Last evaluated: 2022-10-30. Review status: criteria provided, single submitter. Criteria: Ambry Variant Classification Scheme 2023. Collection method: clinical testing. Allele origin: germline.

NM_000179.3(MSH6):c.1107T>G (p.Thr369=)

Gene: MSH6 (mutS homolog 6; plus strand). Cytogenetic location: 2p16.3.
Variant type: single nucleotide variant.
Coding change: c.1107T>G on transcript NM_000179.3 (MANE Select); coding-DNA position 1107, T replaced by G.
Protein change: p.Thr369=; no amino-acid change (threonine 369 retained).
Molecular consequence: synonymous variant. On other transcripts: non-coding transcript variant (4), intron variant (1).
Genome position (GRCh38, 1-based): chr2:47,799,090, T>G. VCF-style: chr2-47799090-T-G. GRCh37 (hg19) VCF-style: chr2-48026229-T-G.
Other names: c.1107T>G, p.Thr369= (NM_001406800.1, NM_001406803.1, NM_001406796.1 and 4 more transcripts); c.1203T>G, p.Thr401= (NM_001406802.1, NM_001406795.1); c.810T>G, p.Thr270= (NM_001406805.1, NM_001406801.1, NM_001406797.1 and 10 more transcripts); c.1029T>G, p.Thr343= (NM_001406804.1); c.717T>G, p.Thr239= (NM_001281492.2); c.201T>G, p.Thr67= (NM_001281493.2, NM_001281494.2, NM_001406811.1 and 6 more transcripts); c.582T>G, p.Thr194= (NM_001406799.1, NM_001406806.1, NM_001406807.1); c.1113T>G, p.Thr371= (NM_001406813.1); and 2 more.
Identifiers: ClinVar variation 1794100 (VCV001794100.4), dbSNP rs2530589828, ClinGen allele CA426120968.